The following is an entry in ClinVar:

ClinVar aggregate classification (germline): Pathogenic (1 of 4 stars; one submission).

Conditions:
Long chain 3-hydroxyacyl-CoA dehydrogenase deficiency. Also called: Deficiency of long-chain 3-hydroxyacyl-coenzyme A dehydrogenase; LCHAD Deficiency. Identifiers: Orphanet 5, MedGen C3711645, MONDO:0012173, OMIM 609016.
Mitochondrial trifunctional protein deficiency. Identifiers: Orphanet 746, MedGen C1969443, MONDO:0012172.

Submission:

Labcorp Genetics (formerly Invitae), Labcorp
Classification: Pathogenic for Mitochondrial trifunctional protein deficiency; Long chain 3-hydroxyacyl-CoA dehydrogenase deficiency. Last evaluated: 2023-12-20. Review status: criteria provided, single submitter. Criteria: Invitae Variant Classification Sherloc (09022015). Collection method: clinical testing. Allele origin: germline.
Comment: This sequence change creates a premature translational stop signal (p.Glu671Lysfs*8) in the HADHA gene. It is expected to result in an absent or disrupted protein product. Loss-of-function variants in HADHA are known to be pathogenic (PMID: 7738175, 21103935, 21549624, 22459206). This variant is not present in population databases (gnomAD no frequency). This variant has not been reported in the literature in individuals affected with HADHA-related conditions. For these reasons, this variant has been classified as Pathogenic.

Literature cited by the submitters: PubMed 7738175; PubMed 21103935; PubMed 21549624; PubMed 22459206.

NM_000182.5(HADHA):c.2011del (p.Glu671fs)

Genes: GAREM2 (GRB2 associated regulator of MAPK1 subtype 2; plus strand), HADHA (hydroxyacyl-CoA dehydrogenase trifunctional multienzyme complex subunit alpha; minus strand). Cytogenetic location: 2p23.3.
Variant type: Deletion.
Coding change: c.2011del on transcript NM_000182.5 (MANE Select); coding-DNA position 2011, one base deleted (G; older notation c.2011delG).
Protein change: p.Glu671fs; shifts the reading frame from glutamic acid 671.
Molecular consequence: frameshift variant.
Genome position (GRCh38, 1-based): chr2:26,191,618, C deleted on the plus strand (G on the coding strand, the reverse complement: HADHA is on the minus strand). VCF-style (leftmost placement, unchanged base first): chr2-26191617-TC-T. GRCh37 (hg19) VCF-style: chr2-26414486-TC-T.
Other names: short protein forms E671fs.
Identifiers: ClinVar variation 2921383 (VCV002921383.3), dbSNP rs2465506111, ClinGen allele CA2740092712.